The following is an entry in ClinVar:

NM_000426.4(LAMA2):c.286A>T (p.Arg96Ter)

Gene: LAMA2 (laminin subunit alpha 2; plus strand). Cytogenetic location: 6q22.33.
Variant type: single nucleotide variant.
Coding change: c.286A>T on transcript NM_000426.4 (MANE Select); coding-DNA position 286, A replaced by T.
Protein change: p.Arg96Ter; replaces arginine 96 with a stop codon.
Molecular consequence: nonsense.
Genome position (GRCh38, 1-based): chr6:129,059,786, A>T. VCF-style: chr6-129059786-A-T. GRCh37 (hg19) VCF-style: chr6-129380931-A-T.
Other names: c.286A>T, p.Arg96Ter (NM_001079823.2); short protein forms R96*.
Identifiers: ClinVar variation 1726385 (VCV001726385.3), dbSNP rs2114795375, ClinGen allele CA365828776.
Genomic context (GRCh38, chr6:129,059,786, plus strand): 5'-ATAAACTAGTTATATGATCTTTTCTTCTTCCTTTCATATGATGCTGCTAACTCAATAGAG[A>T]GACACCCGATTACAAATGCTATTGATGGAAAGAACACTTGGTGGCAGAGTCCCAGTATTA-3'

ClinVar aggregate classification (germline): Likely pathogenic (1 of 4 stars; one submission).

Conditions:
LAMA2-related muscular dystrophy (LAMA2-RD). Also called: Laminin alpha 2-related dystrophy. Identifiers: MedGen C5679788, MONDO:0100228.

Submission:

Myriad Genetics, Inc.
Classification: Likely pathogenic for LAMA2-related muscular dystrophy. Last evaluated: 2021-12-16. Review status: criteria provided, single submitter. Criteria: Myriad Autosomal Dominant, Autosomal Recessive and X-Linked Classification Criteria (2023). Collection method: clinical testing. Allele origin: unknown.
Comment: NM_000426.3(LAMA2):c.286A>T(R96*) is expected to be pathogenic in the context of muscular dystrophy, LAMA2-related. This variant is predicted to lead to an abnormal or absent protein product due to the creation of a premature termination codon in LAMA2, a gene where loss-of-function variants are known to be pathogenic. Please note: this variant was assessed in the context of healthy population screening.